The following is an entry in ClinVar:

NC_000017.10:g.(?_29685478)_(29701173_?)del

Gene: NF1 (neurofibromin 1; plus strand). Cytogenetic location: 17q11.2.
Variant type: Deletion.
Identifiers: ClinVar variation 3242880 (VCV003242880.1).

ClinVar aggregate classification (germline): Pathogenic (1 of 4 stars; one submission).

Conditions:
Neurofibromatosis, type 1 (NF1). Also called: VON RECKLINGHAUSEN DISEASE; Neurofibromatosis, type I; Peripheral type neurofibromatosis; NEUROFIBROMATOSIS, TYPE I, SOMATIC. Identifiers: Orphanet 636, MedGen C0027831, MONDO:0018975, OMIM 162200. Disease mechanism: loss of function.

Submission:

Labcorp Genetics (formerly Invitae), Labcorp
Classification: Pathogenic for Neurofibromatosis, type 1. Last evaluated: 2021-11-09. Review status: criteria provided, single submitter. Criteria: Invitae Variant Classification Sherloc (09022015). Collection method: clinical testing. Allele origin: unknown.
Comment: For these reasons, this variant has been classified as Pathogenic. This variant disrupts a region of the NF1 protein in which other variant(s) (p.Ala2716Asp) have been determined to be pathogenic (Invitae). This suggests that this is a clinically significant region of the protein, and that variants that disrupt it are likely to be disease-causing. This variant has not been reported in the literature in individuals affected with NF1-related conditions. This variant is a gross deletion of the genomic region encompassing exon(s) 54-57 of the NF1 gene, which includes the termination codon. This deletion extends beyond the assayed region for this gene and therefore may encompass additional genes. While this deletion is not anticipated to lead to nonsense mediated decay, it is expected to alter mRNA translation or result in a truncated protein product.